The following is an entry in ClinVar:

NM_000036.3(AMPD1):c.1221C>G (p.Ile407Met)

Gene: AMPD1 (adenosine monophosphate deaminase 1; minus strand). Cytogenetic location: 1p13.2.
Variant type: single nucleotide variant.
Coding change: c.1221C>G on transcript NM_000036.3 (MANE Select); coding-DNA position 1221, C replaced by G.
Protein change: p.Ile407Met; replaces isoleucine 407 with methionine.
Molecular consequence: missense variant.
Genome position (GRCh38, 1-based): chr1:114,677,913, G>C on the plus strand (C>G on the coding strand, the complement: AMPD1 is on the minus strand). VCF-style: chr1-114677913-G-C. GRCh37 (hg19) VCF-style: chr1-115220534-G-C.
Other names: c.1320C>G (NM_000036.2); c.1209C>G, p.Ile403Met (NM_001172626.2); short protein forms I403M, I407M.
Identifiers: ClinVar variation 1345886 (VCV001345886.6), dbSNP rs144014236, ClinGen allele CA1020188.

ClinVar aggregate classification (germline): Uncertain significance. Review status: criteria provided, multiple submitters, no conflicts (2 of 4 stars). 3 submissions from 3 submitters: Uncertain significance (3). Last evaluated 2024-10-31.

Conditions:
Inborn genetic diseases. Identifiers: MedGen C0950123, MeSH D030342.
Muscle AMP deaminase deficiency (MMDD). Also called: Myoadenylate deaminase deficiency, myopathy due to; Adenosine monophosphate deaminase 1 deficiency; AMP deaminase 1 deficiency; Adenosine Monophosphate Deaminase 1; ADENOSINE MONOPHOSPHATE DEAMINASE-1 DEFICIENCY, MYOPATHY DUE TO; AMPD1 DEFICIENCY. Identifiers: Orphanet 45, MedGen C3714933, MONDO:0014220, OMIM 615511.

Allele frequency attached by ClinVar (database versions not stated): gnomAD 0.00001 and 0.00003; gnomAD exomes 0.00002 and 0.00004; ExAC 0.00003; TOPMed 0.00003; ESP Exome Variant Server 0.00008.
gnomAD v4.1: 40 of 1,612,382 alleles (0.0025%); highest among the groups gnomAD compares: Middle Eastern, 0.13%; no homozygotes.

Submissions (3):

Labcorp Genetics (formerly Invitae), Labcorp
Classification: Uncertain significance for Muscle AMP deaminase deficiency. Last evaluated: 2024-10-31. Review status: criteria provided, single submitter. Criteria: Invitae Variant Classification Sherloc (09022015). Collection method: clinical testing. Allele origin: germline.
Comment: This sequence change replaces isoleucine, which is neutral and non-polar, with methionine, which is neutral and non-polar, at codon 440 of the AMPD1 protein (p.Ile440Met). This variant is present in population databases (rs144014236, gnomAD 0.006%). This variant has not been reported in the literature in individuals affected with AMPD1-related conditions. ClinVar contains an entry for this variant (Variation ID: 1345886). Invitae Evidence Modeling of protein sequence and biophysical properties (such as structural, functional, and spatial information, amino acid conservation, physicochemical variation, residue mobility, and thermodynamic stability) indicates that this missense variant is not expected to disrupt AMPD1 protein function with a negative predictive value of 80%. In summary, the available evidence is currently insufficient to determine the role of this variant in disease. Therefore, it has been classified as a Variant of Uncertain Significance.

Ambry Genetics
Classification: Uncertain significance for Inborn genetic diseases. Last evaluated: 2023-11-27. Review status: criteria provided, single submitter. Criteria: Ambry Variant Classification Scheme 2023. Collection method: clinical testing. Allele origin: germline.

Breakthrough Genomics
Classification: Uncertain significance. Review status: criteria provided, single submitter. Criteria: ACMG Guidelines, 2015. Collection method: not provided. Allele origin: germline. Inheritance: Autosomal recessive inheritance. Affected: yes.